The following is an entry in ClinVar:

NM_001036.6(RYR3):c.10346A>G (p.Glu3449Gly)

Gene: RYR3 (ryanodine receptor 3; plus strand). Cytogenetic location: 15q14.
Variant type: single nucleotide variant.
Coding change: c.10346A>G on transcript NM_001036.6 (MANE Select); coding-DNA position 10346, A replaced by G.
Protein change: p.Glu3449Gly; replaces glutamic acid 3449 with glycine.
Molecular consequence: missense variant.
Genome position (GRCh38, 1-based): chr15:33,812,951, A>G. VCF-style: chr15-33812951-A-G. GRCh37 (hg19) VCF-style: chr15-34105152-A-G.
Other names: c.10331A>G, p.Glu3444Gly (NM_001243996.4); c.10346A>G (NM_001036.3); short protein forms E3449G, E3444G.
Identifiers: ClinVar variation 572379 (VCV000572379.35), dbSNP rs756934182, ClinGen allele CA7460810.
Genomic context (GRCh38, chr15:33,812,951, plus strand): 5'-TGAACCTCTACAAGGATGTTCTGAAGAGTGAAGAACCTTTCAATCCGGAAAAGACAGTGG[A>G]GCGTGTGCAGAGAATTTCAGCAGCTGTCTTCCACCTGGAACAGGTAAGGAGCATCTGCCC-3'
Protein context (NP_001027.3, residues 3439-3459): EEPFNPEKTV[Glu3449Gly]RVQRISAAVF

ClinVar aggregate classification (germline): Uncertain significance. Review status: criteria provided, multiple submitters, no conflicts (2 of 4 stars). 3 submissions from 3 submitters: Uncertain significance (3). Last evaluated 2025-08-13.

Conditions:
Epileptic encephalopathy. Identifiers: MedGen C0543888, HP:0200134.

Allele frequency attached by ClinVar (database versions not stated): TOPMed 0.00003; ExAC 0.00004; gnomAD 0.00004; gnomAD exomes 0.00004.
gnomAD v4.1: 64 of 1,613,906 alleles (0.004%); highest among the groups gnomAD compares: Non-Finnish European, 0.0053%; no homozygotes.

Submissions (3):

Ambry Genetics
Classification: Uncertain significance. Last evaluated: 2025-08-13. Review status: criteria provided, single submitter. Criteria: Ambry Variant Classification Scheme 2023. Collection method: clinical testing. Allele origin: germline.

CeGaT Center for Human Genetics Tuebingen
Classification: Uncertain significance. Last evaluated: 2022-08-01. Review status: criteria provided, single submitter. Criteria: CeGaT Center For Human Genetics Tuebingen Variant Classification Criteria Version 2. Collection method: clinical testing. Allele origin: germline. Affected: yes. Observed: 1 variant allele.
Comment: RYR3: PM2, BP4

Labcorp Genetics (formerly Invitae), Labcorp
Classification: Uncertain significance for Epileptic encephalopathy. Last evaluated: 2022-07-05. Review status: criteria provided, single submitter. Criteria: Invitae Variant Classification Sherloc (09022015). Collection method: clinical testing. Allele origin: germline.
Comment: This sequence change replaces glutamic acid, which is acidic and polar, with glycine, which is neutral and non-polar, at codon 3449 of the RYR3 protein (p.Glu3449Gly). This variant is present in population databases (rs756934182, gnomAD 0.007%). This variant has not been reported in the literature in individuals affected with RYR3-related conditions. ClinVar contains an entry for this variant (Variation ID: 572379). Algorithms developed to predict the effect of missense changes on protein structure and function are either unavailable or do not agree on the potential impact of this missense change (SIFT: "Deleterious"; PolyPhen-2: "Benign"; Align-GVGD: "Class C0"). In summary, the available evidence is currently insufficient to determine the role of this variant in disease. Therefore, it has been classified as a Variant of Uncertain Significance.